The following is an entry in ClinVar:

NM_021146.4(ANGPTL7):c.-6C>T

Genes: ANGPTL7 (angiopoietin like 7; plus strand), MTOR (mechanistic target of rapamycin kinase; minus strand). Cytogenetic location: 1p36.22.
Variant type: single nucleotide variant.
Coding change: c.-6C>T on transcript NM_021146.4 (MANE Select); 6 bases upstream of the start codon, C replaced by T.
Molecular consequence: 5 prime UTR variant. On other transcripts: intron variant (3).
Genome position (GRCh38, 1-based): chr1:11,189,574, C>T. VCF-style: chr1-11189574-C-T. GRCh37 (hg19) VCF-style: chr1-11249631-C-T.
Other names: c.3005+9684G>A (NM_001386501.1); c.4253+9684G>A (NM_004958.4, NM_001386500.1).
Identifiers: ClinVar variation 5041326 (VCV005041326.1).
Genomic context (GRCh38, chr1:11,189,574, plus strand): 5'-AGACCTCAGCTGGGCATCTCCAGACTCCCCTGAAGGAAGAGCCTTCCTCACCCAAACCCA[C>T]AAAAGATGCTGAAAAAGCCTCTCTCAGCTGTGACCTGGCTCTGCATTTTCATCGTGGCCT-3'

ClinVar aggregate classification (germline): Likely benign (1 of 4 stars; one submission).

gnomAD v4.1: 41 of 1,589,180 alleles (0.0026%); highest among the groups gnomAD compares: South Asian, 0.046%; 2 homozygotes.

Submission:

CeGaT Center for Human Genetics Tuebingen
Classification: Likely benign. Last evaluated: 2026-09-01. Review status: criteria provided, single submitter. Criteria: CeGaT Center For Human Genetics Tuebingen Variant Classification Criteria Version 2. Collection method: clinical testing. Allele origin: germline. Affected: yes. Observed: 1 variant allele.
Comment: ANGPTL7: BP4